The following is an entry in ClinVar:

ClinVar aggregate classification (germline): Likely benign. Review status: criteria provided, multiple submitters, no conflicts (2 of 4 stars). 4 submissions from 4 submitters: Likely benign (4). Last evaluated 2025-10-26.

Conditions:
Idiopathic Pulmonary Fibrosis. Also called: Idiopathic fibrosing alveolitis, chronic form; idiopathic fibrosing alveolitis. Identifiers: Orphanet 2032, MedGen C1800706, MeSH D054990, MONDO:0800504.
Dyskeratosis congenita, autosomal dominant 2. Identifiers: MedGen C3151443, MONDO:0013521, OMIM 613989.
Dyskeratosis congenita. Identifiers: Orphanet 1775, MedGen C0265965, MONDO:0015780.

Allele frequency attached by ClinVar (database versions not stated): TOPMed 0.00002; gnomAD 0.00003; gnomAD exomes 0.00003 and 0.00004; ExAC 0.00004.
gnomAD v4.1: 45 of 1,613,652 alleles (0.0028%); highest among the groups gnomAD compares: South Asian, 0.012%; no homozygotes.

Submissions (4):

Labcorp Genetics (formerly Invitae), Labcorp
Classification: Likely benign for Dyskeratosis congenita, autosomal dominant 2; Idiopathic Pulmonary Fibrosis. Last evaluated: 2025-10-26. Review status: criteria provided, single submitter. Criteria: Invitae Variant Classification Sherloc (09022015). Collection method: clinical testing. Allele origin: germline.

CeGaT Center for Human Genetics Tuebingen
Classification: Likely benign. Last evaluated: 2025-08-01. Review status: criteria provided, single submitter. Criteria: CeGaT Center For Human Genetics Tuebingen Variant Classification Criteria Version 2. Collection method: clinical testing. Allele origin: germline. Affected: yes. Observed: 1 variant allele.
Comment: TERT: BP4, BP7

Blueprint Genetics
Classification: Likely benign. Last evaluated: 2023-08-11. Review status: criteria provided, single submitter. Criteria: ACMG Guidelines, 2015. Collection method: clinical testing. Allele origin: germline.

Ambry Genetics
Classification: Likely benign for Dyskeratosis congenita. Last evaluated: 2022-02-13. Review status: criteria provided, single submitter. Criteria: Ambry Variant Classification Scheme 2023. Collection method: clinical testing. Allele origin: germline.

NM_198253.3(TERT):c.3153C>T (p.Asn1051=)

Gene: TERT (telomerase reverse transcriptase; minus strand). Cytogenetic location: 5p15.33.
Variant type: single nucleotide variant.
Coding change: c.3153C>T on transcript NM_198253.3 (MANE Select); coding-DNA position 3153, C replaced by T.
Protein change: p.Asn1051=; no amino-acid change (asparagine 1051 retained).
Molecular consequence: synonymous variant. On other transcripts: non-coding transcript variant (2).
Genome position (GRCh38, 1-based): chr5:1,255,291, G>A on the plus strand (C>T on the coding strand, the complement: TERT is on the minus strand). VCF-style: chr5-1255291-G-A. GRCh37 (hg19) VCF-style: chr5-1255406-G-A.
Other names: c.2964C>T, p.Asn988= (NM_001193376.3).
Identifiers: ClinVar variation 701721 (VCV000701721.22), dbSNP rs771025266, ClinGen allele CA3184274.
Genomic context (GRCh38, chr5:1,255,291, plus strand): 5'-ACACTAACACCAGCAGGCAGGCACTGCTGCCACTGAGGCCAGGCACCTGCACATACCTGC[G>A]TTCTTGGCTTTCAGGATGGAGTAGCAGAGGGAGGCCGTGTCAGAGATGACGCGCAGGAAA-3'
Protein context (NP_937983.2, residues 1041-1061): SLCYSILKAK[Asn1051=]AGMSLGAKGA